The following is an entry in ClinVar:

NM_001048174.2(MUTYH):c.784T>G (p.Cys262Gly)

Gene: MUTYH (mutY DNA glycosylase; minus strand). Cytogenetic location: 1p34.1.
Variant type: single nucleotide variant.
Coding change: c.784T>G on transcript NM_001048174.2 (MANE Select); coding-DNA position 784, T replaced by G.
Protein change: p.Cys262Gly; replaces cysteine 262 with glycine.
Molecular consequence: missense variant. On other transcripts: non-coding transcript variant (7).
Genome position (GRCh38, 1-based): chr1:45,332,231, A>C on the plus strand (T>G on the coding strand, the complement: MUTYH is on the minus strand). VCF-style: chr1-45332231-A-C. GRCh37 (hg19) VCF-style: chr1-45797903-A-C.
Other names: c.784T>G, p.Cys262Gly (NM_001048171.2, NM_001048173.2, NM_001293195.2 and 6 more transcripts); c.787T>G, p.Cys263Gly (NM_001048172.2, NM_001407071.1, NM_001407078.1 and 1 more transcripts); c.868T>G, p.Cys290Gly (NM_001128425.2); c.829T>G, p.Cys277Gly (NM_001293190.2); c.817T>G, p.Cys273Gly (NM_001293191.2, NM_001407069.1, NM_001407077.1); c.508T>G, p.Cys170Gly (NM_001293192.2, NM_001293196.2, NM_001407091.1); c.439T>G, p.Cys147Gly (NM_001350650.2, NM_001350651.2, NM_001407082.1); c.700T>G, p.Cys234Gly (NM_001407075.1); and 5 more; short protein forms C147G, C170G, C234G, C248G, C249G, C262G, C263G, C269G.
Identifiers: ClinVar variation 5042429 (VCV005042429.1).

ClinVar aggregate classification (germline): Likely pathogenic (1 of 4 stars; one submission).

Conditions:
Familial adenomatous polyposis 2. Also called: COLORECTAL ADENOMATOUS POLYPOSIS, AUTOSOMAL RECESSIVE; ADENOMAS, MULTIPLE COLORECTAL, AUTOSOMAL RECESSIVE; MYH-associated polyposis; FAP type 2; MUTYH-associated polyposis; MUTYH Polyposis. Identifiers: Orphanet 220460, Orphanet 247798, MedGen C3272841, MONDO:0012041, OMIM 608456.

Submission:

Myriad Genetics, Inc.
Classification: Likely pathogenic for Familial adenomatous polyposis 2. Last evaluated: 2026-08-27. Review status: criteria provided, single submitter. Criteria: Myriad Autosomal Dominant, Autosomal Recessive and X-Linked Classification Criteria (2023). Collection method: clinical testing. Allele origin: unknown.
Comment: This variant is considered likely pathogenic. Functional studies indicate this variant impacts protein function [PMID: 40738107]. This variant is expected to disrupt protein structure [Myriad internal data].

Literature cited by the submitters: PubMed 40738107.